The following is an entry in ClinVar:

ClinVar aggregate classification (germline): Uncertain significance (1 of 4 stars; one submission).

Conditions:
Fanconi anemia (FA). Also called: Fanconi's anemia. Identifiers: Orphanet 84, MedGen C0015625, MeSH D005199, MONDO:0019391.

Allele frequency attached by ClinVar (database versions not stated): gnomAD 0.00001; gnomAD exomes 0.00001; TOPMed 0.00001.
gnomAD v4.1: 8 of 1,613,466 alleles (0.0005%); highest among the groups gnomAD compares: African/African-American, 0.0067%; no homozygotes.

Submission:

Labcorp Genetics (formerly Invitae), Labcorp
Classification: Uncertain significance for Fanconi anemia. Last evaluated: 2021-09-24. Review status: criteria provided, single submitter. Criteria: Invitae Variant Classification Sherloc (09022015). Collection method: clinical testing. Allele origin: germline.
Comment: This sequence change replaces histidine with glutamine at codon 63 of the FANCF protein (p.His63Gln). The histidine residue is weakly conserved and there is a small physicochemical difference between histidine and glutamine. This variant is not present in population databases (ExAC no frequency). This variant has not been reported in the literature in individuals with FANCF-related conditions. Algorithms developed to predict the effect of missense changes on protein structure and function output the following: SIFT: "Tolerated"; PolyPhen-2: "Benign"; Align-GVGD: "Class C0". The glutamine amino acid residue is found in multiple mammalian species, suggesting that this missense change does not adversely affect protein function. These predictions have not been confirmed by published functional studies and their clinical significance is uncertain. In summary, the available evidence is currently insufficient to determine the role of this variant in disease. Therefore, it has been classified as a Variant of Uncertain Significance.

NM_022725.4(FANCF):c.189C>G (p.His63Gln)

Gene: FANCF (FA complementation group F; minus strand). Cytogenetic location: 11p14.3.
Variant type: single nucleotide variant.
Coding change: c.189C>G on transcript NM_022725.4 (MANE Select); coding-DNA position 189, C replaced by G.
Protein change: p.His63Gln; replaces histidine 63 with glutamine.
Molecular consequence: missense variant.
Genome position (GRCh38, 1-based): chr11:22,625,622, G>C on the plus strand (C>G on the coding strand, the complement: FANCF is on the minus strand). VCF-style: chr11-22625622-G-C. GRCh37 (hg19) VCF-style: chr11-22647168-G-C.
Other names: short protein forms H63Q.
Identifiers: ClinVar variation 1450885 (VCV001450885.5), dbSNP rs1014150752, ClinGen allele CA219086659.